The following is an entry in ClinVar:

NM_152722.5(HEPACAM):c.17G>A (p.Gly6Glu)

Gene: HEPACAM (hepatic and glial cell adhesion molecule; minus strand). Cytogenetic location: 11q24.2.
Variant type: single nucleotide variant.
Coding change: c.17G>A on transcript NM_152722.5 (MANE Select); coding-DNA position 17, G replaced by A.
Protein change: p.Gly6Glu; replaces glycine 6 with glutamic acid.
Molecular consequence: missense variant.
Genome position (GRCh38, 1-based): chr11:124,935,990, C>T on the plus strand (G>A on the coding strand, the complement: HEPACAM is on the minus strand). VCF-style: chr11-124935990-C-T. GRCh37 (hg19) VCF-style: chr11-124805886-C-T.
Other names: c.17G>A, p.Gly6Glu (NM_001411043.1, NM_001441320.1); short protein forms G6E.
Identifiers: ClinVar variation 4536923 (VCV004536923.1).
Genomic context (GRCh38, chr11:124,935,990, plus strand): 5'-ATCAGAAGAAGGTAGACAAAAGGAGCAAGGCGCAGGGCCCTGGAGGCTCTGGACAGGGCT[C>T]CCCTTTCTCTCTTCATTTTGGGTGGCGTTCTCCAGCTCTAGTGCAGACAATTAGCATGAT-3'
Protein context (NP_689935.2, residues 1-16): MKRER[Gly6Glu]ALSRASRALR

ClinVar aggregate classification (germline): Uncertain significance (1 of 4 stars; one submission).

gnomAD v4.1: 1 of 1,613,924 alleles (0.000062%); no homozygotes.

Submission:

Women's Health and Genetics/Laboratory Corporation of America, LabCorp
Classification: Uncertain significance. Last evaluated: 2025-11-10. Review status: criteria provided, single submitter. Criteria: LabCorp Variant Classification Summary - May 2015. Collection method: clinical testing. Allele origin: germline.
Comment: Variant summary: HEPACAM c.17G>A (p.Gly6Glu) results in a non-conservative amino acid change in the encoded protein sequence. Algorithms developed to predict the effect of missense changes on protein structure and function are either unavailable or do not agree on the potential impact of this missense change. The variant was absent in 251058 control chromosomes. The available data on variant occurrences in the general population are insufficient to allow any conclusion about variant significance. To our knowledge, no occurrence of c.17G>A in individuals affected with HEPACAM-related conditions and no experimental evidence demonstrating its impact on protein function have been reported. No submitters have cited clinical-significance assessments for this variant to ClinVar. Based on the evidence outlined above, the variant was classified as uncertain significance.